The following is an entry in ClinVar:

ClinVar aggregate classification (germline): Uncertain significance (1 of 4 stars; one submission).

gnomAD v4.1: 2 of 1,610,684 alleles (0.00012%); highest among the groups gnomAD compares: Non-Finnish European, 0.00017%; no homozygotes.

Submission:

Mayo Clinic Laboratories, Mayo Clinic
Classification: Uncertain significance. Last evaluated: 2025-12-16. Review status: criteria provided, single submitter. Criteria: ACMG Guidelines, 2015. Collection method: clinical testing. Allele origin: germline. Observed: 1 variant allele.
Comment: BP4, PM2_supporting

NM_000135.4(FANCA):c.3562C>T (p.His1188Tyr)

Gene: FANCA (FA complementation group A; minus strand). Cytogenetic location: 16q24.3.
Variant type: single nucleotide variant.
Coding change: c.3562C>T on transcript NM_000135.4 (MANE Select); coding-DNA position 3562, C replaced by T.
Protein change: p.His1188Tyr; replaces histidine 1188 with tyrosine.
Molecular consequence: missense variant.
Genome position (GRCh38, 1-based): chr16:89,745,023, G>A on the plus strand (C>T on the coding strand, the complement: FANCA is on the minus strand). VCF-style: chr16-89745023-G-A. GRCh37 (hg19) VCF-style: chr16-89811431-G-A.
Other names: p.His1188Tyr; c.3562C>T, p.His1188Tyr (NM_001286167.3); short protein forms H1188Y.
Identifiers: ClinVar variation 4542104 (VCV004542104.1).